The following is an entry in ClinVar:

ClinVar aggregate classification (germline): Pathogenic/Likely pathogenic. Review status: criteria provided, multiple submitters, no conflicts (2 of 4 stars). 3 submissions from 3 submitters: Pathogenic (1); Likely pathogenic (2). Last evaluated 2023-04-11.

Conditions:
Glycogen storage disease type III (GSD3). Also called: Cori disease; FORBES DISEASE. Identifiers: Orphanet 366, MedGen C0017922, MONDO:0009291, OMIM 232400.

Submissions (3):

Genome-Nilou Lab
Classification: Likely pathogenic for Glycogen storage disease type III. Last evaluated: 2023-04-11. Review status: criteria provided, single submitter. Criteria: ACMG Guidelines, 2015. Collection method: clinical testing. Allele origin: germline. Affected: no.

Labcorp Genetics (formerly Invitae), Labcorp
Classification: Pathogenic for Glycogen storage disease type III. Last evaluated: 2021-08-15. Review status: criteria provided, single submitter. Criteria: Invitae Variant Classification Sherloc (09022015). Collection method: clinical testing. Allele origin: germline.
Comment: ClinVar contains an entry for this variant (Variation ID: 984279). For these reasons, this variant has been classified as Pathogenic. This variant has not been reported in the literature in individuals affected with AGL-related conditions. This sequence change creates a premature translational stop signal (p.Trp965*) in the AGL gene. It is expected to result in an absent or disrupted protein product. Loss-of-function variants in AGL are known to be pathogenic (PMID: 19299494). This variant is not present in population databases (ExAC no frequency).

Myriad Genetics, Inc.
Classification: Likely pathogenic for Glycogen storage disease type III. Last evaluated: 2019-09-23. Review status: criteria provided, single submitter. Criteria: Myriad Women's Health Autosomal Recessive and X-Linked Classification Criteria (2019). Collection method: clinical testing. Allele origin: unknown.
Comment: NM_000642.2(AGL):c.2894G>A(W965*) is expected to be pathogenic in the context of glycogen storage disease type III. This variant is predicted to lead to an abnormal or absent protein product due to the creation of a premature termination codon in AGL, a gene where loss-of-function variants are known to be pathogenic. Please note: this variant was assessed in the context of healthy population screening.

Literature cited by the submitters: PubMed 19299494 (cited by Labcorp Genetics (formerly Invitae), Labcorp).

NM_000642.3(AGL):c.2894G>A (p.Trp965Ter)

Gene: AGL (amylo-alpha-1,6-glucosidase and 4-alpha-glucanotransferase; plus strand). Cytogenetic location: 1p21.2.
Variant type: single nucleotide variant.
Coding change: c.2894G>A on transcript NM_000642.3 (MANE Select); coding-DNA position 2894, G replaced by A.
Protein change: p.Trp965Ter; replaces tryptophan 965 with a stop codon.
Molecular consequence: nonsense.
Genome position (GRCh38, 1-based): chr1:99,891,301, G>A. VCF-style: chr1-99891301-G-A. GRCh37 (hg19) VCF-style: chr1-100356857-G-A.
Other names: c.2894G>A, p.Trp965Ter (NM_000028.3, NM_000643.3, NM_000644.3 and 1 more transcripts); c.2846G>A, p.Trp949Ter (NM_000646.3); c.2873G>A, p.Trp958Ter (NM_001425326.1); c.2693G>A, p.Trp898Ter (NM_001425327.1); c.2690G>A, p.Trp897Ter (NM_001425328.1); c.2555G>A, p.Trp852Ter (NM_001425329.1); c.2516G>A, p.Trp839Ter (NM_001425332.1); short protein forms W949*, W965*, W839*, W852*, W897*, W898*, W958*.
Identifiers: ClinVar variation 984279 (VCV000984279.9), dbSNP rs1652877420, ClinGen allele CA341325186.